The following is an entry in ClinVar:

ClinVar aggregate classification (germline): Uncertain significance. Review status: criteria provided, multiple submitters, no conflicts (2 of 4 stars). 3 submissions from 3 submitters: Uncertain significance (2). 1 of the submissions does not count toward it. Last evaluated 2021-06-04.

Conditions:
Cardiomyopathy (CMYO). Also called: Cardiomyopathies. Identifiers: Orphanet 167848, MedGen C0878544, MONDO:0004994, HP:0001638. Inheritance: Various modes of inheritance.
TTN-related disorder. Also called: TTN-related condition; TTN-related disease; TTN-related disorders.

Allele frequency attached by ClinVar (database versions not stated): TOPMed below 0.00001; gnomAD 0.00001; ExAC 0.00002.
gnomAD v4.1: 20 of 1,613,228 alleles (0.0012%); highest among the groups gnomAD compares: Non-Finnish European, 0.0017%; no homozygotes.

Submissions (3):

CHEO Genetics Diagnostic Laboratory, Children's Hospital of Eastern Ontario
Classification: Uncertain significance for Cardiomyopathy. Last evaluated: 2021-06-04. Review status: criteria provided, single submitter. Criteria: ACMG Guidelines, 2015. Collection method: clinical testing. Allele origin: germline.

Revvity Omics, Revvity
Classification: Uncertain significance. Last evaluated: 2019-06-28. Review status: criteria provided, single submitter. Criteria: ACMG Guidelines, 2015. Collection method: clinical testing. Allele origin: germline.

PreventionGenetics, part of Exact Sciences
Classification: Uncertain significance for TTN-related condition. Last evaluated: 2024-08-14. Review status: no assertion criteria provided. Collection method: clinical testing. Allele origin: germline. Not counted in ClinVar's aggregate classification.
Comment: The TTN c.68699C>A variant is predicted to result in the amino acid substitution p.Ala22900Asp. To our knowledge, this variant has not been reported in the literature. This variant is reported in 0.0039% of alleles in individuals of European (Non-Finnish) descent in gnomAD. At this time, the clinical significance of this variant is uncertain due to the absence of conclusive functional and genetic evidence.

NM_001267550.2(TTN):c.68699C>A (p.Ala22900Asp)

Genes: TTN (titin; minus strand), TTN-AS1 (TTN antisense RNA 1; plus strand). Cytogenetic location: 2q31.2.
Variant type: single nucleotide variant.
Coding change: c.68699C>A on transcript NM_001267550.2 (MANE Select); coding-DNA position 68699, C replaced by A.
Protein change: p.Ala22900Asp; replaces alanine 22900 with aspartic acid.
Molecular consequence: missense variant.
Genome position (GRCh38, 1-based): chr2:178,577,727, G>T on the plus strand (C>A on the coding strand, the complement: TTN is on the minus strand). VCF-style: chr2-178577727-G-T. GRCh37 (hg19) VCF-style: chr2-179442454-G-T.
Other names: c.63776C>A, p.Ala21259Asp (NM_001256850.1); c.41504C>A, p.Ala13835Asp (NM_003319.4); c.60995C>A, p.Ala20332Asp (NM_133378.4); c.41879C>A, p.Ala13960Asp (NM_133432.3); c.42080C>A, p.Ala14027Asp (NM_133437.4); short protein forms A13835D, A13960D, A14027D, A20332D, A21259D, A22900D.
Identifiers: ClinVar variation 2438044 (VCV002438044.6), dbSNP rs780862555, ClinGen allele CA1991055.